The following is an entry in ClinVar:

ClinVar aggregate classification (germline): Uncertain significance (1 of 4 stars; one submission).

gnomAD v4.1: 2 of 1,613,658 alleles (0.00012%); highest among the groups gnomAD compares: Non-Finnish European, 0.00017%; no homozygotes.

Submission:

Labcorp Genetics (formerly Invitae), Labcorp
Classification: Uncertain significance. Last evaluated: 2024-09-11. Review status: criteria provided, single submitter. Criteria: Invitae Variant Classification Sherloc (09022015). Collection method: clinical testing. Allele origin: germline.
Comment: This sequence change replaces valine, which is neutral and non-polar, with isoleucine, which is neutral and non-polar, at codon 775 of the DDX58 protein (p.Val775Ile). This variant is not present in population databases (gnomAD no frequency). This variant has not been reported in the literature in individuals affected with DDX58-related conditions. Invitae Evidence Modeling of protein sequence and biophysical properties (such as structural, functional, and spatial information, amino acid conservation, physicochemical variation, residue mobility, and thermodynamic stability) indicates that this missense variant is not expected to disrupt DDX58 protein function with a negative predictive value of 80%. In summary, the available evidence is currently insufficient to determine the role of this variant in disease. Therefore, it has been classified as a Variant of Uncertain Significance.

NM_014314.4(RIGI):c.2323G>A (p.Val775Ile)

Gene: RIGI (RNA sensor RIG-I; minus strand). Cytogenetic location: 9p21.1.
Variant type: single nucleotide variant.
Coding change: c.2323G>A on transcript NM_014314.4 (MANE Select); coding-DNA position 2323, G replaced by A.
Protein change: p.Val775Ile; replaces valine 775 with isoleucine.
Molecular consequence: missense variant.
Genome position (GRCh38, 1-based): chr9:32,466,304, C>T on the plus strand (G>A on the coding strand, the complement: RIGI is on the minus strand). VCF-style: chr9-32466304-C-T. GRCh37 (hg19) VCF-style: chr9-32466302-C-T.
Other names: c.2317G>A, p.Val773Ile (NM_001385907.1); c.2152G>A, p.Val718Ile (NM_001385909.1); c.1882G>A, p.Val628Ile (NM_001385910.1); c.1714G>A, p.Val572Ile (NM_001385912.1); c.2308G>A, p.Val770Ile (NM_001385913.1); c.1879G>A, p.Val627Ile (NM_001385914.1); short protein forms V770I, V627I, V773I, V775I, V572I, V718I, V628I.
Identifiers: ClinVar variation 3682490 (VCV003682490.2).